The following is an entry in ClinVar:

NM_022455.5(NSD1):c.4498-9C>T

Gene: NSD1 (nuclear receptor binding SET domain protein 1; plus strand). Cytogenetic location: 5q35.3.
Variant type: single nucleotide variant.
Coding change: c.4498-9C>T on transcript NM_022455.5 (MANE Select); 9 bases into the intron before coding-DNA position 4498, C replaced by T.
Molecular consequence: intron variant.
Genome position (GRCh38, 1-based): chr5:177,248,172, C>T. VCF-style: chr5-177248172-C-T. GRCh37 (hg19) VCF-style: chr5-176675173-C-T.
Other names: c.4498-9C>T (NM_001409301.1, NM_001409302.1, NM_001409303.1); c.4078-9C>T (NM_001409304.1); c.3745-9C>T (NM_001409305.1); c.3625-9C>T (NM_001409306.1, NM_001409308.1, NM_001409307.1 and 3 more transcripts).
Identifiers: ClinVar variation 3668516 (VCV003668516.3).

ClinVar aggregate classification (germline): Likely benign. Review status: criteria provided, multiple submitters, no conflicts (2 of 4 stars). 2 submissions from 2 submitters: Likely benign (2). Last evaluated 2025-05-22.

gnomAD v4.1: 6 of 1,613,724 alleles (0.00037%); highest among the groups gnomAD compares: Admixed American, 0.0083%; no homozygotes.

Submissions (2):

Labcorp Genetics (formerly Invitae), Labcorp
Classification: Likely benign. Last evaluated: 2025-05-22. Review status: criteria provided, single submitter. Criteria: Invitae Variant Classification Sherloc (09022015). Collection method: clinical testing. Allele origin: germline.

Women's Health and Genetics/Laboratory Corporation of America, LabCorp
Classification: Likely benign. Last evaluated: 2025-03-13. Review status: criteria provided, single submitter. Criteria: LabCorp Variant Classification Summary - May 2015. Collection method: clinical testing. Allele origin: germline.
Comment: Variant summary: NSD1 c.4498-9C>T alters a non-conserved nucleotide located at a position not widely known to affect splicing. Consensus agreement among computation tools predict no significant impact on normal splicing. However, these predictions have yet to be confirmed by functional studies. The variant allele was found at a frequency of 4e-06 in 250948 control chromosomes. The available data on variant occurrences in the general population are insufficient to allow any conclusion about variant significance. To our knowledge, no occurrence of c.4498-9C>T in individuals affected with Sotos Syndrome and no experimental evidence demonstrating its impact on protein function have been reported. ClinVar contains an entry for this variant (Variation ID: 3668516). Based on the evidence outlined above, the variant was classified as likely benign.